The following is an entry in ClinVar:

NM_004944.4(DNASE1L3):c.541G>A (p.Ala181Thr)

Gene: DNASE1L3 (deoxyribonuclease 1L3; minus strand). Cytogenetic location: 3p14.3.
Variant type: single nucleotide variant.
Coding change: c.541G>A on transcript NM_004944.4 (MANE Select); coding-DNA position 541, G replaced by A.
Protein change: p.Ala181Thr; replaces alanine 181 with threonine.
Molecular consequence: missense variant.
Genome position (GRCh38, 1-based): chr3:58,201,002, C>T on the plus strand (G>A on the coding strand, the complement: DNASE1L3 is on the minus strand). VCF-style: chr3-58201002-C-T. GRCh37 (hg19) VCF-style: chr3-58186729-C-T.
Other names: c.451G>A, p.Ala151Thr (NM_001256560.2); short protein forms A151T, A181T.
Identifiers: ClinVar variation 2813782 (VCV002813782.3), dbSNP rs1346555886, ClinGen allele CA353338836.

ClinVar aggregate classification (germline): Uncertain significance (1 of 4 stars; one submission).

Submission:

Labcorp Genetics (formerly Invitae), Labcorp
Classification: Uncertain significance. Last evaluated: 2022-11-12. Review status: criteria provided, single submitter. Criteria: Invitae Variant Classification Sherloc (09022015). Collection method: clinical testing. Allele origin: germline.
Comment: This sequence change replaces alanine, which is neutral and non-polar, with threonine, which is neutral and polar, at codon 181 of the DNASE1L3 protein (p.Ala181Thr). This variant is not present in population databases (gnomAD no frequency). This variant has not been reported in the literature in individuals affected with DNASE1L3-related conditions. Algorithms developed to predict the effect of missense changes on protein structure and function output the following: SIFT: "Tolerated"; PolyPhen-2: "Benign"; Align-GVGD: "Class C0". The threonine amino acid residue is found in multiple mammalian species, which suggests that this missense change does not adversely affect protein function. In summary, the available evidence is currently insufficient to determine the role of this variant in disease. Therefore, it has been classified as a Variant of Uncertain Significance.